The following is an entry in ClinVar:

ClinVar aggregate classification (germline): Uncertain significance (1 of 4 stars; one submission).

Conditions:
Inborn genetic diseases. Identifiers: MedGen C0950123, MeSH D030342.

Submission:

Ambry Genetics
Classification: Uncertain significance for Inborn genetic diseases. Last evaluated: 2026-08-20. Review status: criteria provided, single submitter. Criteria: Ambry Variant Classification Scheme 2023. Collection method: clinical testing. Allele origin: germline.
Comment: The p.I365V variant (also known as c.1093A>G), located in coding exon 6 of the FANCM gene, results from an A to G substitution at nucleotide position 1093. The isoleucine at codon 365 is replaced by valine, an amino acid with highly similar properties. This amino acid position is conserved. In addition, this alteration is predicted to be tolerated by in silico analysis. Based on the available evidence, the clinical significance of this variant remains unclear.

NM_020937.4(FANCM):c.1093A>G (p.Ile365Val)

Gene: FANCM (FA complementation group M; plus strand). Cytogenetic location: 14q21.2.
Variant type: single nucleotide variant.
Coding change: c.1093A>G on transcript NM_020937.4 (MANE Select); coding-DNA position 1093, A replaced by G.
Protein change: p.Ile365Val; replaces isoleucine 365 with valine.
Molecular consequence: missense variant.
Genome position (GRCh38, 1-based): chr14:45,153,962, A>G. VCF-style: chr14-45153962-A-G. GRCh37 (hg19) VCF-style: chr14-45623165-A-G.
Other names: c.1015A>G, p.Ile339Val (NM_001308133.2); c.1093A>G, p.Ile365Val (NM_001308134.2); short protein forms I365V, I339V.
Identifiers: ClinVar variation 5021510 (VCV005021510.1).
Genomic context (GRCh38, chr14:45,153,962, plus strand): 5'-CATATGCTGTTTTTCTAGGGAATACAACAAGGCATAATCGAGGGAGAGTTTGCTATTTGT[A>G]TTAGTTTATATCATGGTTATGAATTATTGCAGCAAATGGGAATGAGATCATTATATTTCT-3'
Protein context (NP_065988.1, residues 355-375): GIIEGEFAIC[Ile365Val]SLYHGYELLQ